The following is an entry in ClinVar:

ClinVar aggregate classification (germline): Likely pathogenic. Review status: criteria provided, multiple submitters, no conflicts (2 of 4 stars). 2 submissions from 2 submitters: Likely pathogenic (2). Last evaluated 2022-03-25.

Conditions:
Hereditary cancer-predisposing syndrome. Also called: Tumor predisposition; Hereditary neoplastic syndrome; Neoplastic Syndromes, Hereditary; Hereditary Cancer Syndrome. Identifiers: Orphanet 140162, MedGen C0027672, MeSH D009386, MONDO:0015356.
Breast-ovarian cancer, familial, susceptibility to, 4. Identifiers: Orphanet 145, MedGen C3280345, MONDO:0013669, OMIM 614291.

Submissions (2):

Ambry Genetics
Classification: Likely pathogenic for Hereditary cancer-predisposing syndrome. Last evaluated: 2022-03-25. Review status: criteria provided, single submitter. Criteria: Ambry Variant Classification Scheme 2023. Collection method: clinical testing. Allele origin: germline.
Comment: The c.801delC variant, located in coding exon 9 of the RAD51D gene, results from a deletion of one nucleotide at nucleotide position 801, causing a translational frameshift with a predicted alternate stop codon (p.W268Gfs*42). This alteration occurs at the 3' terminus of theRAD51D gene, is not expected to trigger nonsense-mediated mRNA decay, and only impacts the last 61 amino acids of the protein. However, premature stop codons are typically deleterious in nature, and internal structural analysis indicates W268Gfs*42 disrupts the ATP cap motif in RAD51D, which would disrupt its ability to form filaments and subsequent DNA repair activity (Wu Y et al. J Biol Chem, 2005 Jan;280:722-8; Amunugama R et al. J Biol Chem, 2012 Mar;287:8724-36; Amunugama R et al. DNA Repair (Amst), 2013 Sep;12:723-32; Ambry internal data). This variant is considered to be rare based on population cohorts in the Genome Aggregation Database (gnomAD). Based on the majority of available evidence to date, this variant is likely to be pathogenic.

Labcorp Genetics (formerly Invitae), Labcorp
Classification: Likely pathogenic for Breast-ovarian cancer, familial, susceptibility to, 4. Last evaluated: 2022-01-16. Review status: criteria provided, single submitter. Criteria: Invitae Variant Classification Sherloc (09022015). Collection method: clinical testing. Allele origin: germline.
Comment: In summary, the currently available evidence indicates that the variant is pathogenic, but additional data are needed to prove that conclusively. Therefore, this variant has been classified as Likely Pathogenic. This variant disrupts the ATPase domain and RAD51C interaction domain of the RAD51D protein, which are necessary for the DNA repair activity (PMID: 14704354, 19327148, 21111057, 10749867). While functional studies have not been performed to directly test the effect of this variant on RAD51D protein function, this suggests that disruption of this region of the protein is causative of disease. This premature translational stop signal has been observed in individual(s) with breast cancer (PMID: 32068069). This variant is not present in population databases (gnomAD no frequency). This sequence change creates a premature translational stop signal (p.Trp268Glyfs*42) in the RAD51D gene. While this is not anticipated to result in nonsense mediated decay, it is expected to disrupt the last 61 amino acid(s) of the RAD51D protein.

Literature cited by the submitters: PubMed 15537659 (cited by Ambry Genetics); PubMed 22275364 (cited by Ambry Genetics); PubMed 23810717 (cited by Ambry Genetics); PubMed 32068069 (cited by Ambry Genetics and Labcorp Genetics (formerly Invitae), Labcorp); PubMed 14704354 (cited by Labcorp Genetics (formerly Invitae), Labcorp); PubMed 19327148 (cited by Labcorp Genetics (formerly Invitae), Labcorp); PubMed 21111057 (cited by Labcorp Genetics (formerly Invitae), Labcorp); PubMed 10749867 (cited by Labcorp Genetics (formerly Invitae), Labcorp).

NM_002878.4(RAD51D):c.801del (p.Trp268fs)

Genes: RAD51D (RAD51 paralog D; minus strand), RAD51L3-RFFL (RAD51L3-RFFL readthrough; minus strand). Cytogenetic location: 17q12.
Variant type: Deletion.
Coding change: c.801del on transcript NM_002878.4 (MANE Select); coding-DNA position 801, one base deleted (C; older notation c.801delC).
Protein change: p.Trp268fs; shifts the reading frame from tryptophan 268.
Molecular consequence: frameshift variant. On other transcripts: non-coding transcript variant (3).
Genome position (GRCh38, 1-based): chr17:35,101,303, G deleted on the plus strand (C on the coding strand, the reverse complement: RAD51D is on the minus strand); the first of 2 consecutive G bases (chr17:35,101,303-35,101,304); deleting either gives the same sequence. VCF-style (leftmost placement, unchanged base first): chr17-35101302-AG-A. GRCh37 (hg19) VCF-style: chr17-33428321-AG-A.
Other names: c.861del, p.Trp288fs (NM_001142571.2); c.465del, p.Trp156fs (NM_133629.3); short protein forms W156fs, W268fs, W288fs.
Identifiers: ClinVar variation 1498511 (VCV001498511.8), dbSNP rs2142411904, ClinGen allele CA2573153482.